The following is an entry in ClinVar:

NM_147127.5(EVC2):c.2152G>A (p.Gly718Ser)

Gene: EVC2 (EvC ciliary complex subunit 2; minus strand). Cytogenetic location: 4p16.2.
Variant type: single nucleotide variant.
Coding change: c.2152G>A on transcript NM_147127.5 (MANE Select); coding-DNA position 2152, G replaced by A.
Protein change: p.Gly718Ser; replaces glycine 718 with serine.
Molecular consequence: missense variant.
Genome position (GRCh38, 1-based): chr4:5,622,886, C>T on the plus strand (G>A on the coding strand, the complement: EVC2 is on the minus strand). VCF-style: chr4-5622886-C-T. GRCh37 (hg19) VCF-style: chr4-5624613-C-T.
Other names: c.1912G>A, p.Gly638Ser (NM_001166136.2); c.2152G>A (NM_147127.4); short protein forms G638S, G718S.
Identifiers: ClinVar variation 1050313 (VCV001050313.2), dbSNP rs762306367, ClinGen allele CA2834793.

ClinVar aggregate classification (germline): Likely benign. Review status: criteria provided, single submitter (1 of 4 stars). 2 submissions from 2 submitters: Likely benign (1). 1 of the submissions does not count toward it. Last evaluated 2025-08-12.

Conditions:
Inborn genetic diseases. Identifiers: MedGen C0950123, MeSH D030342.

Allele frequency attached by ClinVar (database versions not stated): TOPMed below 0.00001; ExAC 0.00001; gnomAD 0.00001; gnomAD exomes 0.00001.
gnomAD v4.1: 15 of 1,614,068 alleles (0.00093%); highest among the groups gnomAD compares: Non-Finnish European, 0.0013%; no homozygotes.

Submissions (2):

Ambry Genetics
Classification: Likely benign for Inborn genetic diseases. Last evaluated: 2025-08-12. Review status: criteria provided, single submitter. Criteria: Ambry Variant Classification Scheme 2023. Collection method: clinical testing. Allele origin: germline.

Department of Pathology and Laboratory Medicine, Sinai Health System
Classification: Uncertain significance. Review status: no assertion criteria provided. Collection method: clinical testing. Allele origin: unknown. Affected: yes. Study: The Canadian Open Genetics Repository (COGR). Not counted in ClinVar's aggregate classification.
Comment: The EVC2 p.Gly718Ser variant was not identified in the literature nor was it identified in ClinVar. The variant was identified in dbSNP (ID: rs762306367) and in control databases in 3 of 251156 chromosomes at a frequency of 0.00001194 (Genome Aggregation Database March 6, 2019, v2.1.1). The variant was observed in the European (non-Finnish) population in 3 of 113534 chromosomes (freq: 0.000026), but was not observed in the African, Latino, Ashkenazi Jewish, East Asian, European (Finnish), Other, or South Asian populations. The p.Gly718 residue is not conserved in mammals and computational analyses (PolyPhen-2, SIFT, AlignGVGD, BLOSUM, MutationTaster) do not suggest a high likelihood of impact to the protein; however, this information is not predictive enough to rule out pathogenicity. The variant occurs outside of the splicing consensus sequence and 1 of 4 in silico or computational prediction software programs (SpliceSiteFinder, MaxEntScan, NNSPLICE, GeneSplicer) predict a greater than 10% difference in splicing; this is not very predictive of pathogenicity. In summary, based on the above information the clinical significance of this variant cannot be determined with certainty at this time. This variant is classified as a variant of uncertain significance.